The following is an entry in ClinVar:

NM_153704.6(TMEM67):c.2188A>G (p.Ile730Val)

Gene: TMEM67 (transmembrane protein 67; plus strand). Cytogenetic location: 8q22.1.
Variant type: single nucleotide variant.
Coding change: c.2188A>G on transcript NM_153704.6 (MANE Select); coding-DNA position 2188, A replaced by G.
Protein change: p.Ile730Val; replaces isoleucine 730 with valine.
Molecular consequence: missense variant. On other transcripts: non-coding transcript variant (1).
Genome position (GRCh38, 1-based): chr8:93,799,705, A>G. VCF-style: chr8-93799705-A-G. GRCh37 (hg19) VCF-style: chr8-94811933-A-G.
Other names: c.1945A>G, p.Ile649Val (NM_001142301.1); short protein forms I649V, I730V.
Identifiers: ClinVar variation 1008928 (VCV001008928.6), dbSNP rs776427277, ClinGen allele CA4808223.

ClinVar aggregate classification (germline): Uncertain significance (1 of 4 stars; one submission).

Conditions:
Joubert syndrome. Also called: Familial aplasia of the vermis; CEREBELLOPARENCHYMAL DISORDER IV; JOUBERT-BOLTSHAUSER SYNDROME. Identifiers: Orphanet 475, MedGen C5979921, MONDO:0018772.
Meckel-Gruber syndrome. Also called: Dysencephalia splachnocystica; DYSENCEPHALIA SPLANCHNOCYSTICA; GRUBER SYNDROME. Identifiers: Orphanet 564, MedGen C0265215, MONDO:0018921.

Allele frequency attached by ClinVar (database versions not stated): ExAC 0.00001; gnomAD 0.00001; TOPMed 0.00001.
gnomAD v4.1: 3 of 1,613,632 alleles (0.00019%); highest among the groups gnomAD compares: African/African-American, 0.004%; no homozygotes.

Submission:

Labcorp Genetics (formerly Invitae), Labcorp
Classification: Uncertain significance for Joubert syndrome; Meckel-Gruber syndrome. Last evaluated: 2022-01-06. Review status: criteria provided, single submitter. Criteria: Invitae Variant Classification Sherloc (09022015). Collection method: clinical testing. Allele origin: germline.
Comment: This sequence change replaces isoleucine, which is neutral and non-polar, with valine, which is neutral and non-polar, at codon 730 of the TMEM67 protein (p.Ile730Val). This variant is present in population databases (rs776427277, gnomAD 0.007%). This variant has not been reported in the literature in individuals affected with TMEM67-related conditions. ClinVar contains an entry for this variant (Variation ID: 1008928). Advanced modeling of protein sequence and biophysical properties (such as structural, functional, and spatial information, amino acid conservation, physicochemical variation, residue mobility, and thermodynamic stability) performed at Invitae indicates that this missense variant is expected to disrupt TMEM67 protein function. In summary, the available evidence is currently insufficient to determine the role of this variant in disease. Therefore, it has been classified as a Variant of Uncertain Significance.